The following is an entry in ClinVar:

NM_000038.6(APC):c.4441del (p.Val1481fs)

Gene: APC (APC regulator of Wnt signaling pathway; plus strand). Cytogenetic location: 5q22.2.
Variant type: Deletion.
Coding change: c.4441del on transcript NM_000038.6 (MANE Select); coding-DNA position 4441, one base deleted (G; older notation c.4441delG).
Protein change: p.Val1481fs; shifts the reading frame from valine 1481.
Molecular consequence: frameshift variant. On other transcripts: non-coding transcript variant (2).
Genome position (GRCh38, 1-based): chr5:112,840,035, G deleted; the last of 2 consecutive G bases (chr5:112,840,034-112,840,035); deleting either gives the same sequence. VCF-style (leftmost placement, unchanged base first): chr5-112840033-AG-A. GRCh37 (hg19) VCF-style: chr5-112175730-AG-A.
Other names: c.4441del, p.Val1481fs (NM_001127510.3, NM_001354895.2, NM_001407450.1); c.4387del, p.Val1463fs (NM_001127511.3); c.4495del, p.Val1499fs (NM_001354896.2, NM_001407447.1, NM_001407448.1 and 1 more transcripts); c.4471del, p.Val1491fs (NM_001354897.2); c.4366del, p.Val1456fs (NM_001354898.2); c.4357del, p.Val1453fs (NM_001354899.2); c.4318del, p.Val1440fs (NM_001354900.2); c.4264del, p.Val1422fs (NM_001354901.2, NM_001407453.1); and 11 more; short protein forms V1097fs, V1198fs, V1321fs, V1352fs, V1355fs, V1380fs, V1390fs, V1398fs.
Identifiers: ClinVar variation 2583877 (VCV002583877.1), dbSNP rs2533575428, ClinGen allele CA2582341300.

ClinVar aggregate classification (germline): Pathogenic (1 of 4 stars; one submission).

Conditions:
Familial adenomatous polyposis 1 (FAP1). Also called: FAMILIAL ADENOMATOUS POLYPOSIS 1, ATTENUATED; POLYPOSIS, ADENOMATOUS INTESTINAL. Identifiers: MedGen C2713442, MONDO:0021056, OMIM 175100. Disease mechanism: loss of function.

Submission:

Myriad Genetics, Inc.
Classification: Pathogenic for Familial adenomatous polyposis 1. Last evaluated: 2023-05-11. Review status: criteria provided, single submitter. Criteria: Myriad Autosomal Dominant, Autosomal Recessive and X-Linked Classification Criteria (2023). Collection method: clinical testing. Allele origin: unknown.
Comment: This variant is considered pathogenic. This variant creates a frameshift predicted to result in premature protein truncation.